The following is an entry in ClinVar:

ClinVar aggregate classification (germline): Uncertain significance (1 of 4 stars; one submission).

Conditions:
Cardiovascular phenotype. Identifiers: MedGen CN230736.

gnomAD v4.1: 2 of 1,614,032 alleles (0.00012%); highest among the groups gnomAD compares: Non-Finnish European, 0.00017%; no homozygotes.

Submission:

Ambry Genetics
Classification: Uncertain significance for Cardiovascular phenotype. Last evaluated: 2022-10-27. Review status: criteria provided, single submitter. Criteria: Ambry Variant Classification Scheme 2023. Collection method: clinical testing. Allele origin: germline.
Comment: The p.D3764N variant (also known as c.11290G>A), located in coding exon 26 of the APOB gene, results from a G to A substitution at nucleotide position 11290. The aspartic acid at codon 3764 is replaced by asparagine, an amino acid with highly similar properties. This amino acid position is well conserved in available vertebrate species. In addition, this alteration is predicted to be tolerated by in silico analysis. Since supporting evidence is limited at this time, the clinical significance of this alteration remains unclear.

NM_000384.3(APOB):c.11290G>A (p.Asp3764Asn)

Gene: APOB (apolipoprotein B; minus strand). Cytogenetic location: 2p24.1.
Variant type: single nucleotide variant.
Coding change: c.11290G>A on transcript NM_000384.3 (MANE Select); coding-DNA position 11290, G replaced by A.
Protein change: p.Asp3764Asn; replaces aspartic acid 3764 with asparagine.
Molecular consequence: missense variant.
Genome position (GRCh38, 1-based): chr2:21,005,578, C>T on the plus strand (G>A on the coding strand, the complement: APOB is on the minus strand). VCF-style: chr2-21005578-C-T. GRCh37 (hg19) VCF-style: chr2-21228450-C-T.
Other names: short protein forms D3764N.
Identifiers: ClinVar variation 1727534 (VCV001727534.2), dbSNP rs1368511630, ClinGen allele CA345980029.